The following is an entry in ClinVar:

NM_003239.5(TGFB3):c.559G>A (p.Gly187Ser)

Gene: TGFB3 (transforming growth factor beta 3; minus strand). Cytogenetic location: 14q24.3.
Variant type: single nucleotide variant.
Coding change: c.559G>A on transcript NM_003239.5 (MANE Select); coding-DNA position 559, G replaced by A.
Protein change: p.Gly187Ser; replaces glycine 187 with serine.
Molecular consequence: missense variant.
Genome position (GRCh38, 1-based): chr14:75,971,213, C>T on the plus strand (G>A on the coding strand, the complement: TGFB3 is on the minus strand). VCF-style: chr14-75971213-C-T. GRCh37 (hg19) VCF-style: chr14-76437556-C-T.
Other names: c.559G>A, p.Gly187Ser (NM_001329938.2, NM_001329939.2); short protein forms G187S.
Identifiers: ClinVar variation 191778 (VCV000191778.24), dbSNP rs201063101, ClinGen allele CA237516.

ClinVar aggregate classification (germline): Uncertain significance. Review status: criteria provided, multiple submitters, no conflicts (2 of 4 stars). 9 submissions from 9 submitters: Uncertain significance (6). 3 of the submissions do not count toward it. Last evaluated 2025-12-15.

Conditions:
TGFB3-related disorder. Also called: TGFB3-related condition.
Rienhoff syndrome. Also called: LOEYS-DIETZ SYNDROME 5. Identifiers: MedGen C3810012, MONDO:0014262, OMIM 615582.
Familial thoracic aortic aneurysm and aortic dissection (TAAD). Also called: Thoracic aortic aneurysms and dissections. Identifiers: Orphanet 91387, MedGen C4707243, MONDO:0019625.
Arrhythmogenic right ventricular dysplasia 1. Identifiers: Orphanet 3403, MedGen C1862511, MONDO:0007152, OMIM 107970.

Allele frequency attached by ClinVar (database versions not stated): TOPMed 0.00005; gnomAD 0.00005; gnomAD exomes 0.00004; ExAC 0.00005.
gnomAD v4.1: 48 of 1,613,984 alleles (0.003%); highest among the groups gnomAD compares: Non-Finnish European, 0.0034%; no homozygotes.

Submissions (9):

Ambry Genetics
Classification: Uncertain significance for Familial thoracic aortic aneurysm and aortic dissection. Last evaluated: 2025-12-15. Review status: criteria provided, single submitter. Criteria: Ambry Variant Classification Scheme 2023. Collection method: clinical testing. Allele origin: germline.
Comment: The c.559G>A (p.G187S) alteration is located in exon 3 (coding exon 3) of the TGFB3 gene. This alteration results from a G to A substitution at nucleotide position 559, causing the glycine (G) at amino acid position 187 to be replaced by a serine (S). Based on data from gnomAD, the A allele has an overall frequency of 0.004% (11/282710) total alleles studied. The highest observed frequency was 0.007% (9/129060) of European (non-Finnish) alleles. Based on insufficient or conflicting evidence, the clinical significance of this alteration remains unclear.

Labcorp Genetics (formerly Invitae), Labcorp
Classification: Uncertain significance for Rienhoff syndrome. Last evaluated: 2024-11-05. Review status: criteria provided, single submitter. Criteria: Invitae Variant Classification Sherloc (09022015). Collection method: clinical testing. Allele origin: germline.
Comment: This sequence change replaces glycine, which is neutral and non-polar, with serine, which is neutral and polar, at codon 187 of the TGFB3 protein (p.Gly187Ser). This variant is present in population databases (rs201063101, gnomAD 0.007%). This missense change has been observed in individual(s) with clinical features of TGFB3-related conditions (PMID: 29907982). ClinVar contains an entry for this variant (Variation ID: 191778). Invitae Evidence Modeling of protein sequence and biophysical properties (such as structural, functional, and spatial information, amino acid conservation, physicochemical variation, residue mobility, and thermodynamic stability) indicates that this missense variant is not expected to disrupt TGFB3 protein function with a negative predictive value of 80%. In summary, the available evidence is currently insufficient to determine the role of this variant in disease. Therefore, it has been classified as a Variant of Uncertain Significance.

GeneDx
Classification: Uncertain significance. Last evaluated: 2021-12-15. Review status: criteria provided, single submitter. Criteria: GeneDx Variant Classification Process June 2021. Collection method: clinical testing. Allele origin: germline. Affected: yes.
Comment: In silico analysis supports that this missense variant does not alter protein structure/function; Reported in ClinVar as a variant of uncertain significance (ClinVar Variant ID# 191778; Landrum et al., 2016); This variant is associated with the following publications: (PMID: 23861362, 29907982, 26582918)

Mayo Clinic Laboratories, Mayo Clinic
Classification: Uncertain significance. Last evaluated: 2020-02-05. Review status: criteria provided, single submitter. Criteria: ACMG Guidelines, 2015. Collection method: clinical testing. Allele origin: germline. Observed: 1 variant allele.

Institute of Human Genetics, University of Leipzig Medical Center
Classification: Uncertain significance for Arrhythmogenic right ventricular dysplasia 1. Last evaluated: 2019-01-01. Review status: criteria provided, single submitter. Criteria: ACMG Guidelines, 2015. Collection method: clinical testing. Allele origin: unknown. Affected: yes.

Biesecker Lab/Clinical Genomics Section, National Institutes of Health
Classification: Uncertain significance. Last evaluated: 2013-06-24. Review status: criteria provided, single submitter. Criteria: Ng et al. (Circ Cardiovasc Genet. 2013). Collection method: research. Allele origin: unknown. Observed: 1 variant allele. Study: ClinSeq.
Comment: The study set was not selected for affection status in relation to any cancer. Pathogenicity categories were based on literature curation. See Pubmed ID:23861362 for details.

Medical sequencing

PreventionGenetics, part of Exact Sciences
Classification: Uncertain significance for TGFB3-related condition. Last evaluated: 2024-03-04. Review status: no assertion criteria provided. Collection method: clinical testing. Allele origin: germline. Not counted in ClinVar's aggregate classification.
Comment: The TGFB3 c.559G>A variant is predicted to result in the amino acid substitution p.Gly187Ser. This variant was reported as a variant of uncertain significance in an individual suspected of heritable thoracic aortic disorders (patient #143 in Tables S1 and S2, Overwater et al. 2018. PubMed ID: 29907982). This variant is reported in 0.0070% of alleles in individuals of European (Non-Finnish) descent in gnomAD. At this time, the clinical significance of this variant is uncertain due to the absence of conclusive functional and genetic evidence.

Genome Diagnostics Laboratory, Amsterdam University Medical Center
Classification: Uncertain significance. Review status: no assertion criteria provided. Collection method: clinical testing. Allele origin: germline. Affected: yes. Study: VKGL Data-share Consensus. Not counted in ClinVar's aggregate classification.

Laboratory of Diagnostic Genome Analysis, Leiden University Medical Center (LUMC)
Classification: Uncertain significance. Review status: no assertion criteria provided. Collection method: clinical testing. Allele origin: germline. Affected: yes. Study: VKGL Data-share Consensus. Not counted in ClinVar's aggregate classification.

Literature cited by the submitters: PubMed 29907982 (cited by Labcorp Genetics (formerly Invitae), Labcorp).